The following is an entry in ClinVar:

NM_001170629.2(CHD8):c.1160G>A (p.Gly387Glu)

Gene: CHD8 (chromodomain helicase DNA binding protein 8; minus strand). Cytogenetic location: 14q11.2.
Variant type: single nucleotide variant.
Coding change: c.1160G>A on transcript NM_001170629.2 (MANE Select); coding-DNA position 1160, G replaced by A.
Protein change: p.Gly387Glu; replaces glycine 387 with glutamic acid.
Molecular consequence: missense variant.
Genome position (GRCh38, 1-based): chr14:21,429,019, C>T on the plus strand (G>A on the coding strand, the complement: CHD8 is on the minus strand). VCF-style: chr14-21429019-C-T. GRCh37 (hg19) VCF-style: chr14-21897178-C-T.
Other names: c.323G>A, p.Gly108Glu (NM_020920.4); short protein forms G108E, G387E.
Identifiers: ClinVar variation 4074417 (VCV004074417.1).

ClinVar aggregate classification (germline): Uncertain significance (1 of 4 stars; one submission).

gnomAD v4.1: 1 of 1,613,962 alleles (0.000062%); highest among the groups gnomAD compares: Non-Finnish European, 0.000085%; no homozygotes.

Submission:

GeneDx
Classification: Uncertain significance. Last evaluated: 2025-02-02. Review status: criteria provided, single submitter. Criteria: GeneDx Variant Classification Process June 2021. Collection method: clinical testing. Allele origin: germline. Affected: yes.
Comment: Not observed at significant frequency in large population cohorts (gnomAD); In silico analysis indicates that this missense variant does not alter protein structure/function; Has not been previously published as pathogenic or benign to our knowledge